The following is an entry in ClinVar:

NM_000257.4(MYH7):c.1248T>C (p.Asn416=)

Gene: MYH7 (myosin heavy chain 7; minus strand). Cytogenetic location: 14q11.2.
Variant type: single nucleotide variant.
Coding change: c.1248T>C on transcript NM_000257.4 (MANE Select); coding-DNA position 1248, T replaced by C.
Protein change: p.Asn416=; no amino-acid change (asparagine 416 retained).
Molecular consequence: synonymous variant.
Genome position (GRCh38, 1-based): chr14:23,429,238, A>G on the plus strand (T>C on the coding strand, the complement: MYH7 is on the minus strand). VCF-style: chr14-23429238-A-G. GRCh37 (hg19) VCF-style: chr14-23898447-A-G.
Other names: c.1248T>C, p.Asn416= (NM_001407004.1).
Identifiers: ClinVar variation 2773963 (VCV002773963.5), dbSNP rs775626275, ClinGen allele CA027879.

ClinVar aggregate classification (germline): Likely benign. Review status: criteria provided, multiple submitters, no conflicts (2 of 4 stars). 3 submissions from 3 submitters: Likely benign (3). Last evaluated 2024-08-07.

Conditions:
Cardiomyopathy (CMYO). Also called: Cardiomyopathies. Identifiers: Orphanet 167848, MedGen C0878544, MONDO:0004994, HP:0001638. Inheritance: Various modes of inheritance.
Hypertrophic cardiomyopathy. Also called: HYPERTROPHIC MYOCARDIOPATHY. Identifiers: Orphanet 217569, MedGen C0007194, MeSH D002312, MONDO:0005045, HP:0001639.

Allele frequency attached by ClinVar (database versions not stated): TOPMed below 0.00001; gnomAD 0.00001; gnomAD exomes 0.00001; ExAC 0.00002.

Submissions (3):

Labcorp Genetics (formerly Invitae), Labcorp
Classification: Likely benign for Hypertrophic cardiomyopathy. Last evaluated: 2024-08-07. Review status: criteria provided, single submitter. Criteria: Invitae Variant Classification Sherloc (09022015). Collection method: clinical testing. Allele origin: germline.

All of Us Research Program, National Institutes of Health
Classification: Likely benign for Cardiomyopathy. Last evaluated: 2023-09-17. Review status: criteria provided, single submitter. Criteria: ACMG Guidelines, 2015. Collection method: clinical testing. Allele origin: germline. Inheritance: Autosomal dominant inheritance. Observed: 1 variant allele, 1 heterozygote.
Comment: This study involves interpretation of variants in research participants for the purpose of population health screening. Participant phenotype was not available at the time of variant classification. Additional details can be found in publication PMID: 35346344, PMCID: PMC8962531

Color Diagnostics, LLC DBA Color Health
Classification: Likely benign for Cardiomyopathy. Last evaluated: 2021-10-12. Review status: criteria provided, single submitter. Criteria: ACMG Guidelines, 2015. Collection method: clinical testing. Allele origin: germline.